The following is an entry in ClinVar:

ClinVar aggregate classification (germline): Uncertain significance (1 of 4 stars; one submission).

Conditions:
Combined immunodeficiency with skin granulomas. Identifiers: Orphanet 157949, MedGen C2673536, MONDO:0009306, OMIM 233650.
Severe combined immunodeficiency, autosomal recessive, T cell-negative, B cell-negative, NK cell-positive. Also called: SCID, T CELL-NEGATIVE, B CELL-NEGATIVE, NK CELL-POSITIVE; SCID, AR, T-cell negative, B-cell negative, NK cell-positive; Severe combined immunodeficiency due to complete RAG1/2 deficiency. Identifiers: Orphanet 331206, MedGen C1832322, MONDO:0011086, OMIM 601457.

Submission:

Labcorp Genetics (formerly Invitae), Labcorp
Classification: Uncertain significance for Combined immunodeficiency with skin granulomas; Severe combined immunodeficiency, autosomal recessive, T cell-negative, B cell-negative, NK cell-positive. Last evaluated: 2019-04-25. Review status: criteria provided, single submitter. Criteria: Invitae Variant Classification Sherloc (09022015). Collection method: clinical testing. Allele origin: germline.
Comment: This variant has not been reported in the literature in individuals with RAG1-related disease. This sequence change replaces alanine with valine at codon 83 of the RAG1 protein (p.Ala83Val). The alanine residue is weakly conserved and there is a small physicochemical difference between alanine and valine. This variant is not present in population databases (ExAC no frequency). Algorithms developed to predict the effect of missense changes on protein structure and function output the following: SIFT: "Tolerated"; PolyPhen-2: "Benign"; Align-GVGD: "Class C0". The valine amino acid residue is found in multiple mammalian species, suggesting that this missense change does not adversely affect protein function. These predictions have not been confirmed by published functional studies and their clinical significance is uncertain. In summary, the available evidence is currently insufficient to determine the role of this variant in disease. Therefore, it has been classified as a Variant of Uncertain Significance.

NM_000448.3(RAG1):c.248C>T (p.Ala83Val)

Gene: RAG1 (recombination activating 1; plus strand). Cytogenetic location: 11p12.
Variant type: single nucleotide variant.
Coding change: c.248C>T on transcript NM_000448.3 (MANE Select); coding-DNA position 248, C replaced by T.
Protein change: p.Ala83Val; replaces alanine 83 with valine.
Molecular consequence: missense variant.
Genome position (GRCh38, 1-based): chr11:36,573,552, C>T. VCF-style: chr11-36573552-C-T. GRCh37 (hg19) VCF-style: chr11-36595102-C-T.
Other names: c.248C>T, p.Ala83Val (NM_001377277.1, NM_001377278.1, NM_001377279.1 and 1 more transcripts); short protein forms A83V.
Identifiers: ClinVar variation 651871 (VCV000651871.10), dbSNP rs1590701723, ClinGen allele CA380146145.